The following is an entry in ClinVar:

NM_005359.6(SMAD4):c.472G>A (p.Val158Met)

Gene: SMAD4 (SMAD family member 4; plus strand). Cytogenetic location: 18q21.2.
Variant type: single nucleotide variant.
Coding change: c.472G>A on transcript NM_005359.6 (MANE Select); coding-DNA position 472, G replaced by A.
Protein change: p.Val158Met; replaces valine 158 with methionine.
Molecular consequence: missense variant. On other transcripts: non-coding transcript variant (2).
Genome position (GRCh38, 1-based): chr18:51,054,798, G>A. VCF-style: chr18-51054798-G-A. GRCh37 (hg19) VCF-style: chr18-48581168-G-A.
Other names: c.472G>A, p.Val158Met (NM_001407041.1, NM_001407042.1, NM_001407043.1); short protein forms V158M.
Identifiers: ClinVar variation 2811162 (VCV002811162.4), dbSNP rs1555685628, ClinGen allele CA402460613.

ClinVar aggregate classification (germline): Uncertain significance. Review status: criteria provided, multiple submitters, no conflicts (2 of 4 stars). 2 submissions from 2 submitters: Uncertain significance (2). Last evaluated 2024-11-12.

Conditions:
Familial thoracic aortic aneurysm and aortic dissection (TAAD). Also called: Thoracic aortic aneurysms and dissections. Identifiers: Orphanet 91387, MedGen C4707243, MONDO:0019625.
Hereditary cancer-predisposing syndrome. Also called: Hereditary Cancer Syndrome; Hereditary neoplastic syndrome; Neoplastic Syndromes, Hereditary; Tumor predisposition. Identifiers: Orphanet 140162, MedGen C0027672, MeSH D009386, MONDO:0015356.
Juvenile polyposis syndrome (JPS). Identifiers: Orphanet 2929, MedGen C0345893, MONDO:0017380, OMIM 174900.

Submissions (2):

Ambry Genetics
Classification: Uncertain significance for Hereditary cancer-predisposing syndrome; Familial thoracic aortic aneurysm and aortic dissection. Last evaluated: 2024-11-12. Review status: criteria provided, single submitter. Criteria: Ambry Variant Classification Scheme 2023. Collection method: clinical testing. Allele origin: germline.
Comment: The p.V158M variant (also known as c.472G>A), located in coding exon 4 of the SMAD4 gene, results from a G to A substitution at nucleotide position 472. The valine at codon 158 is replaced by methionine, an amino acid with highly similar properties. This amino acid position is conserved. In addition, this alteration is predicted to be deleterious by in silico analysis. Based on the available evidence, the clinical significance of this variant remains unclear.

Labcorp Genetics (formerly Invitae), Labcorp
Classification: Uncertain significance for Juvenile polyposis syndrome. Last evaluated: 2024-10-09. Review status: criteria provided, single submitter. Criteria: Invitae Variant Classification Sherloc (09022015). Collection method: clinical testing. Allele origin: germline.
Comment: This sequence change replaces valine, which is neutral and non-polar, with methionine, which is neutral and non-polar, at codon 158 of the SMAD4 protein (p.Val158Met). This variant is not present in population databases (gnomAD no frequency). This variant has not been reported in the literature in individuals affected with SMAD4-related conditions. Invitae Evidence Modeling of protein sequence and biophysical properties (such as structural, functional, and spatial information, amino acid conservation, physicochemical variation, residue mobility, and thermodynamic stability) has been performed for this missense variant. However, the output from this modeling did not meet the statistical confidence thresholds required to predict the impact of this variant on SMAD4 protein function. In summary, the available evidence is currently insufficient to determine the role of this variant in disease. Therefore, it has been classified as a Variant of Uncertain Significance.